The following is an entry in ClinVar:

ClinVar aggregate classification (germline): Uncertain significance (1 of 4 stars; one submission).

Conditions:
Inborn genetic diseases. Identifiers: MedGen C0950123, MeSH D030342.

Allele frequency attached by ClinVar (database versions not stated): TOPMed below 0.00001; gnomAD 0.00001; gnomAD exomes 0.00001.

Submission:

Ambry Genetics
Classification: Uncertain significance for Inborn genetic diseases. Last evaluated: 2021-07-23. Review status: criteria provided, single submitter. Criteria: Ambry Variant Classification Scheme 2023. Collection method: clinical testing. Allele origin: germline.
Comment: The c.1573+2dupT alteration is located in Intron 12 (E) of the ADGRG1 gene. This alteration consists of a duplication of 1 nucleotides at nucleotide position c.15732 within Intron 12 (E). Based on insufficient or conflicting evidence, the clinical significance of this alteration remains unclear.

NM_201525.4(ADGRG1):c.1555+2dup

Gene: ADGRG1 (adhesion G protein-coupled receptor G1; plus strand). Cytogenetic location: 16q21.
Variant type: Duplication.
Coding change: c.1555+2dup on transcript NM_201525.4 (MANE Select); the canonical splice donor site of the intron after coding-DNA position 1555, one base duplicated (T; older notation c.1555+2dupT).
Molecular consequence: splice donor variant.
Genome position (GRCh38, 1-based): chr16:57,659,683, T duplicated. VCF-style (leftmost placement, unchanged base first): chr16-57659682-G-GT. GRCh37 (hg19) VCF-style: chr16-57693594-G-GT.
Other names: c.1555+2dup (NM_001370440.1, NM_001370436.1, NM_001370438.1 and 7 more transcripts); c.1573+2dup (NM_001370428.1, NM_001370430.1, NM_001370431.1 and 4 more transcripts); c.1063+2dup (NM_001290142.2); c.1030+2dup (NM_001370451.1, NM_001370453.1, NM_001370454.1 and 1 more transcripts); c.1048+2dup (NM_001290143.2); c.1570+2dup (NM_001370434.1, NM_001370433.1, NM_001145773.3); c.1399+2dup (NM_001370442.1); c.1552+2dup (NM_001370441.1).
Identifiers: ClinVar variation 2234403 (VCV002234403.2), dbSNP rs1165873405, ClinGen allele CA622683151.